The following is an entry in ClinVar:

ClinVar aggregate classification (germline): Uncertain significance. Review status: criteria provided, multiple submitters, no conflicts (2 of 4 stars). 3 submissions from 3 submitters: Uncertain significance (3). Last evaluated 2020-02-04.

Conditions:
Charcot-Marie-Tooth disease type 2. Also called: Charcot-Marie-Tooth type 2. Identifiers: Orphanet 64746, MedGen C0270914, MONDO:0018993.

Allele frequency attached by ClinVar (database versions not stated): gnomAD exomes below 0.00001.
gnomAD v4.1: 3 of 1,611,152 alleles (0.00019%); highest among the groups gnomAD compares: Non-Finnish European, 0.00025%; no homozygotes.

Submissions (3):

Revvity Omics, Revvity
Classification: Uncertain significance. Last evaluated: 2020-02-04. Review status: criteria provided, single submitter. Criteria: ACMG Guidelines, 2015. Collection method: clinical testing. Allele origin: germline.

GeneDx
Classification: Uncertain significance. Last evaluated: 2019-08-16. Review status: criteria provided, single submitter. Criteria: GeneDx Variant Classification Process June 2021. Collection method: clinical testing. Allele origin: germline. Affected: yes.
Comment: Has not been previously published as pathogenic or benign to our knowledge; Not observed in large population cohorts (Lek et al., 2016); Missense variants in nearby residues reported in the Human Gene Mutation Database (Stenson et al., 2014); In silico analysis, which includes protein predictors and evolutionary conservation, supports that this variant does not alter protein structure/function

Labcorp Genetics (formerly Invitae), Labcorp
Classification: Uncertain significance for Charcot-Marie-Tooth disease type 2. Last evaluated: 2019-07-19. Review status: criteria provided, single submitter. Criteria: Invitae Variant Classification Sherloc (09022015). Collection method: clinical testing. Allele origin: germline.
Comment: In summary, the available evidence is currently insufficient to determine the role of this variant in disease. Therefore, it has been classified as a Variant of Uncertain Significance. Algorithms developed to predict the effect of missense changes on protein structure and function (SIFT, PolyPhen-2, Align-GVGD) all suggest that this variant is likely to be tolerated, but these predictions have not been confirmed by published functional studies and their clinical significance is uncertain. This variant has not been reported in the literature in individuals with LMNA-related conditions. This variant is not present in population databases (ExAC no frequency). This sequence change replaces asparagine with aspartic acid at codon 518 of the LMNA protein (p.Asn518Asp). The asparagine residue is highly conserved and there is a small physicochemical difference between asparagine and aspartic acid.

NM_170707.4(LMNA):c.1552A>G (p.Asn518Asp)

Gene: LMNA (lamin A/C; plus strand). Cytogenetic location: 1q22.
Variant type: single nucleotide variant.
Coding change: c.1552A>G on transcript NM_170707.4 (MANE Select); coding-DNA position 1552, A replaced by G.
Protein change: p.Asn518Asp; replaces asparagine 518 with aspartic acid.
Molecular consequence: missense variant.
Genome position (GRCh38, 1-based): chr1:156,137,176, A>G. VCF-style: chr1-156137176-A-G. GRCh37 (hg19) VCF-style: chr1-156106967-A-G.
Other names: c.1216A>G, p.Asn406Asp (NM_001257374.3); c.1309A>G, p.Asn437Asp (NM_001282624.2); c.1552A>G, p.Asn518Asp (NM_001282625.2, NM_001282626.2, NM_005572.4 and 1 more transcripts); short protein forms N518D, N406D, N437D.
Identifiers: ClinVar variation 936743 (VCV000936743.13), dbSNP rs757733890, ClinGen allele CA31014347.